The following is an entry in ClinVar:

NM_001379500.1(COL18A1):c.3307_3325del (p.Tyr1103fs)

Genes: SLC19A1 (solute carrier family 19 member 1; minus strand), COL18A1 (collagen type XVIII alpha 1 chain; plus strand). Cytogenetic location: 21q22.3.
Variant type: Deletion.
Coding change: c.3307_3325del on transcript NM_001379500.1 (MANE Select); coding-DNA positions 3307 to 3325, 19 bases deleted (TACCCGCGGCGGGAGCACC).
Protein change: p.Tyr1103fs; shifts the reading frame from tyrosine 1103.
Molecular consequence: frameshift variant.
Genome position (GRCh38, 1-based): chr21:45,509,413-45,509,431, TACCCGCGGCGGGAGCACC deleted; deleting any 19 consecutive bases within chr21:45,509,411-45,509,431 gives the same sequence; the c. name uses the placement nearest the transcript's 3' end. VCF-style (leftmost placement, unchanged base first): chr21-45509410-CCCTACCCGCGGCGGGAGCA-C. GRCh37 (hg19) VCF-style: chr21-46929324-CCCTACCCGCGGCGGGAGCA-C.
Other names: c.3838_3856del, p.Tyr1280fs (NM_030582.4); c.4543_4561del, p.Tyr1515fs (NM_130444.3); short protein forms Y1280fs, Y1515fs, Y1103fs.
Identifiers: ClinVar variation 2868756 (VCV002868756.3), dbSNP rs2517846376, ClinGen allele CA2739267722.

ClinVar aggregate classification (germline): Pathogenic (1 of 4 stars; one submission).

Submission:

Labcorp Genetics (formerly Invitae), Labcorp
Classification: Pathogenic. Last evaluated: 2022-11-19. Review status: criteria provided, single submitter. Criteria: Invitae Variant Classification Sherloc (09022015). Collection method: clinical testing. Allele origin: germline.
Comment: For these reasons, this variant has been classified as Pathogenic. This variant has not been reported in the literature in individuals affected with COL18A1-related conditions. This variant is not present in population databases (gnomAD no frequency). This sequence change creates a premature translational stop signal (p.Tyr1100Profs*142) in the COL18A1 gene. It is expected to result in an absent or disrupted protein product. Loss-of-function variants in COL18A1 are known to be pathogenic (PMID: 12415512, 25456301).

Literature cited by the submitters: PubMed 12415512; PubMed 25456301.